The following is an entry in ClinVar:

NM_004304.5(ALK):c.2530G>C (p.Gly844Arg)

Gene: ALK (ALK receptor tyrosine kinase; minus strand). Cytogenetic location: 2p23.2.
Variant type: single nucleotide variant.
Coding change: c.2530G>C on transcript NM_004304.5 (MANE Select); coding-DNA position 2530, G replaced by C.
Protein change: p.Gly844Arg; replaces glycine 844 with arginine.
Molecular consequence: missense variant.
Genome position (GRCh38, 1-based): chr2:29,232,406, C>G on the plus strand (G>C on the coding strand, the complement: ALK is on the minus strand). VCF-style: chr2-29232406-C-G. GRCh37 (hg19) VCF-style: chr2-29455272-C-G.
Other names: short protein forms G844R.
Identifiers: ClinVar variation 1507922 (VCV001507922.8), dbSNP rs2148183406, ClinGen allele CA346471935.

ClinVar aggregate classification (germline): Uncertain significance (1 of 4 stars; one submission).

Conditions:
Neuroblastoma, susceptibility to, 3. Also called: ALK-Related Neuroblastic Tumor Susceptibility. Identifiers: Orphanet 635, MedGen C2751681, MONDO:0013083, OMIM 613014.

Submission:

Labcorp Genetics (formerly Invitae), Labcorp
Classification: Uncertain significance for Neuroblastoma, susceptibility to, 3. Last evaluated: 2021-02-05. Review status: criteria provided, single submitter. Criteria: Invitae Variant Classification Sherloc (09022015). Collection method: clinical testing. Allele origin: germline.
Comment: Algorithms developed to predict the effect of missense changes on protein structure and function (SIFT, PolyPhen-2, Align-GVGD) all suggest that this variant is likely to be disruptive, but these predictions have not been confirmed by published functional studies and their clinical significance is uncertain. This variant has not been reported in the literature in individuals with ALK-related conditions. This variant is not present in population databases (ExAC no frequency). This sequence change replaces glycine with arginine at codon 844 of the ALK protein (p.Gly844Arg). The glycine residue is highly conserved and there is a moderate physicochemical difference between glycine and arginine. In summary, the available evidence is currently insufficient to determine the role of this variant in disease. Therefore, it has been classified as a Variant of Uncertain Significance.